The following is an entry in ClinVar:

ClinVar aggregate classification (germline): Uncertain significance. Review status: criteria provided, multiple submitters, no conflicts (2 of 4 stars). 2 submissions from 2 submitters: Uncertain significance (2). Last evaluated 2025-08-05.

Allele frequency attached by ClinVar (database versions not stated): ExAC 0.00002; gnomAD exomes 0.00002; TOPMed 0.00013; gnomAD 0.00015; 1000 Genomes Project 0.00020; 1000 Genomes Project 30x 0.00031.
gnomAD v4.1: 68 of 1,614,138 alleles (0.0042%); highest among the groups gnomAD compares: African/African-American, 0.027%; no homozygotes.

Submissions (2):

Ambry Genetics
Classification: Uncertain significance. Last evaluated: 2025-08-05. Review status: criteria provided, single submitter. Criteria: Ambry Variant Classification Scheme 2023. Collection method: clinical testing. Allele origin: germline.

Labcorp Genetics (formerly Invitae), Labcorp
Classification: Uncertain significance. Last evaluated: 2025-04-30. Review status: criteria provided, single submitter. Criteria: Invitae Variant Classification Sherloc (09022015). Collection method: clinical testing. Allele origin: germline.
Comment: This sequence change replaces proline, which is neutral and non-polar, with alanine, which is neutral and non-polar, at codon 393 of the CLUAP1 protein (p.Pro393Ala). This variant is present in population databases (rs540682144, gnomAD 0.02%). This variant has not been reported in the literature in individuals affected with CLUAP1-related conditions. ClinVar contains an entry for this variant (Variation ID: 1001635). Invitae Evidence Modeling of protein sequence and biophysical properties (such as structural, functional, and spatial information, amino acid conservation, physicochemical variation, residue mobility, and thermodynamic stability) indicates that this missense variant is not expected to disrupt CLUAP1 protein function with a negative predictive value of 80%. In summary, the available evidence is currently insufficient to determine the role of this variant in disease. Therefore, it has been classified as a Variant of Uncertain Significance.

NM_015041.3(CLUAP1):c.1177C>G (p.Pro393Ala)

Gene: CLUAP1 (clusterin associated protein 1; plus strand). Cytogenetic location: 16p13.3.
Variant type: single nucleotide variant.
Coding change: c.1177C>G on transcript NM_015041.3 (MANE Select); coding-DNA position 1177, C replaced by G.
Protein change: p.Pro393Ala; replaces proline 393 with alanine.
Molecular consequence: missense variant.
Genome position (GRCh38, 1-based): chr16:3,536,206, C>G. VCF-style: chr16-3536206-C-G. GRCh37 (hg19) VCF-style: chr16-3586206-C-G.
Other names: c.1234C>G, p.Pro412Ala (NM_001330454.2); c.679C>G, p.Pro227Ala (NM_024793.3); c.1177C>G (NM_015041.1); short protein forms P227A, P393A, P412A.
Identifiers: ClinVar variation 1001635 (VCV001001635.8), dbSNP rs540682144, ClinGen allele CA7864061.
Genomic context (GRCh38, chr16:3,536,206, plus strand): 5'-GACATGGAAGATGATGATGACGAGGATGACGATTTGGAAGACGAGAGCATTTCTCTCTCA[C>G]CAACCAAGCCCAATCGAAGGGTCCGGAAATCTGAACCCCTGGATGAGAGTGACAATGACT-3'
Protein context (NP_055856.1, residues 383-403): DLEDESISLS[Pro393Ala]TKPNRRVRKS